The following is an entry in ClinVar:

ClinVar aggregate classification (germline): Uncertain significance. Review status: criteria provided, multiple submitters, no conflicts (2 of 4 stars). 2 submissions from 2 submitters: Uncertain significance (2). Last evaluated 2025-09-29.

Conditions:
Inborn genetic diseases. Identifiers: MedGen C0950123, MeSH D030342.

Allele frequency attached by ClinVar (database versions not stated): ExAC 0.00003; gnomAD exomes 0.00012.

Submissions (2):

Labcorp Genetics (formerly Invitae), Labcorp
Classification: Uncertain significance. Last evaluated: 2025-09-29. Review status: criteria provided, single submitter. Criteria: Invitae Variant Classification Sherloc (09022015). Collection method: clinical testing. Allele origin: germline.
Comment: This sequence change replaces serine, which is neutral and polar, with cysteine, which is neutral and slightly polar, at codon 30 of the SLITRK6 protein (p.Ser30Cys). This variant is present in population databases (rs200578631, gnomAD 0.008%). This variant has not been reported in the literature in individuals affected with SLITRK6-related conditions. ClinVar contains an entry for this variant (Variation ID: 3166142). An algorithm developed to predict the effect of missense changes on protein structure and function (PolyPhen-2) suggests that this variant is likely to be disruptive. In summary, the available evidence is currently insufficient to determine the role of this variant in disease. Therefore, it has been classified as a Variant of Uncertain Significance.

Ambry Genetics
Classification: Uncertain significance for Inborn genetic diseases. Last evaluated: 2024-01-23. Review status: criteria provided, single submitter. Criteria: Ambry Variant Classification Scheme 2023. Collection method: clinical testing. Allele origin: germline.

NM_032229.3(SLITRK6):c.89C>G (p.Ser30Cys)

Gene: SLITRK6 (SLIT and NTRK like family member 6; minus strand). Cytogenetic location: 13q31.1.
Variant type: single nucleotide variant.
Coding change: c.89C>G on transcript NM_032229.3 (MANE Select); coding-DNA position 89, C replaced by G.
Protein change: p.Ser30Cys; replaces serine 30 with cysteine.
Molecular consequence: missense variant.
Genome position (GRCh38, 1-based): chr13:85,796,420, G>C on the plus strand (C>G on the coding strand, the complement: SLITRK6 is on the minus strand). VCF-style: chr13-85796420-G-C. GRCh37 (hg19) VCF-style: chr13-86370555-G-C.
Other names: short protein forms S30C.
Identifiers: ClinVar variation 3166142 (VCV003166142.2), dbSNP rs200578631, ClinGen allele CA7015332.